The following is an entry in ClinVar:

ClinVar aggregate classification (germline): Conflicting classifications of pathogenicity. Review status: criteria provided, conflicting classifications (1 of 4 stars). 4 submissions from 4 submitters: Uncertain significance (2); Likely benign (2). Last evaluated 2024-10-24.

Conditions:
Hereditary cancer-predisposing syndrome. Also called: Hereditary neoplastic syndrome; Neoplastic Syndromes, Hereditary; Tumor predisposition; Hereditary Cancer Syndrome. Identifiers: Orphanet 140162, MedGen C0027672, MeSH D009386, MONDO:0015356.
Hereditary breast ovarian cancer syndrome. Also called: BRCA1- and BRCA2-Associated Hereditary Breast and Ovarian Cancer; Hereditary breast and/or ovarian cancer syndrome; Hereditary breast and ovarian cancer syndrome; Hereditary breast and ovarian cancer; Hereditary breast and ovarian cancer syndrome (HBOC); Breast and ovarian cancer. Identifiers: Orphanet 145, MedGen C0677776, MeSH D061325, MONDO:0003582. Disease mechanism: loss of function.

gnomAD v4.1: 3 of 1,613,720 alleles (0.00019%); highest among the groups gnomAD compares: Non-Finnish European, 0.00025%; no homozygotes.

Submissions (4):

Labcorp Genetics (formerly Invitae), Labcorp
Classification: Uncertain significance for Hereditary breast ovarian cancer syndrome. Last evaluated: 2024-10-24. Review status: criteria provided, single submitter. Criteria: Invitae Variant Classification Sherloc (09022015). Collection method: clinical testing. Allele origin: germline.
Comment: This sequence change replaces glutamic acid, which is acidic and polar, with lysine, which is basic and polar, at codon 2037 of the BRCA2 protein (p.Glu2037Lys). This variant is not present in population databases (gnomAD no frequency). This missense change has been observed in individual(s) with clinical features of Lynch syndrome (PMID: 25980754). ClinVar contains an entry for this variant (Variation ID: 422241). Invitae Evidence Modeling of protein sequence and biophysical properties (such as structural, functional, and spatial information, amino acid conservation, physicochemical variation, residue mobility, and thermodynamic stability) indicates that this missense variant is not expected to disrupt BRCA2 protein function with a negative predictive value of 95%. In summary, the available evidence is currently insufficient to determine the role of this variant in disease. Therefore, it has been classified as a Variant of Uncertain Significance.

Ambry Genetics
Classification: Likely benign for Hereditary cancer-predisposing syndrome. Last evaluated: 2023-03-30. Review status: criteria provided, single submitter. Criteria: Ambry Variant Classification Scheme 2023. Collection method: clinical testing. Allele origin: germline.

University of Washington Department of Laboratory Medicine, University of Washington
Classification: Likely benign for Hereditary cancer-predisposing syndrome. Last evaluated: 2023-03-23. Review status: criteria provided, single submitter. Criteria: Dines et al. (Genet Med. 2020). Collection method: curation. Allele origin: germline.
Comment: Missense variant in a coldspot region where missense variants are very unlikely to be pathogenic (PMID:31911673).

BRCA2 exon 11 coldspot. Reclassification based on statistical prior probability.

GeneDx
Classification: Uncertain significance. Last evaluated: 2016-09-12. Review status: criteria provided, single submitter. Criteria: GeneDx Variant Classification (06012015). Collection method: clinical testing. Allele origin: germline. Affected: yes.
Comment: This variant is denoted BRCA2 c.6109G>A at the cDNA level, p.Glu2037Lys (E2037K) at the protein level, and results in the change of a Glutamic Acid to a Lysine (GAA>AAA). Using alternate nomenclature, this variant would be defined as BRCA2 6337G>A. This variant was observed in at least one individual with a personal history of a Lynch syndrome associated cancer and/or polyps, undergoing genetic testing using a multigene panel (Yurgelun 2015). BRCA2 Glu2037Lys was not observed in approximately 6,500 individuals of European and African American ancestry in the NHLBI Exome Sequencing Project, suggesting it is not a common benign variant in these populations. Since Glutamic Acid and Lysine differ in polarity, charge, size or other properties, this is considered a non-conservative amino acid substitution. BRCA2 Glu2037Lys occurs at a position that is not conserved and is not located in a known functional domain (Cole 2011). In silico analyses predict that this variant is unlikely to alter protein structure or function. Based on currently available evidence, it is unclear whether BRCA2 Glu2037Lys is a pathogenic or benign variant. We consider it to be a variant of uncertain significance.

Literature cited by the submitters: PubMed 25980754 (cited by Labcorp Genetics (formerly Invitae), Labcorp).

NM_000059.4(BRCA2):c.6109G>A (p.Glu2037Lys)

Gene: BRCA2 (BRCA2 DNA repair associated; plus strand). Cytogenetic location: 13q13.1.
Variant type: single nucleotide variant.
Coding change: c.6109G>A on transcript NM_000059.4 (MANE Select); coding-DNA position 6109, G replaced by A.
Protein change: p.Glu2037Lys; replaces glutamic acid 2037 with lysine.
Molecular consequence: missense variant.
Genome position (GRCh38, 1-based): chr13:32,340,464, G>A. VCF-style: chr13-32340464-G-A. GRCh37 (hg19) VCF-style: chr13-32914601-G-A.
Other names: short protein forms E2037K.
Identifiers: ClinVar variation 422241 (VCV000422241.13), dbSNP rs1064795651, ClinGen allele CA16619736.